The following is an entry in ClinVar:

ClinVar aggregate classification (germline): Pathogenic. Review status: reviewed by expert panel (3 of 4 stars). 3 submissions from 3 submitters: Pathogenic (1). 2 of the submissions do not count toward it. Last evaluated 2017-12-15.

Conditions:
Hereditary cancer-predisposing syndrome. Also called: Tumor predisposition; Hereditary Cancer Syndrome; Neoplastic Syndromes, Hereditary; Hereditary neoplastic syndrome. Identifiers: Orphanet 140162, MedGen C0027672, MeSH D009386, MONDO:0015356.
Breast-ovarian cancer, familial, susceptibility to, 1 (BROVCA1). Also called: BRCA1 Hereditary Breast and Ovarian Cancer; OVARIAN CANCER, SUSCEPTIBILITY TO. Identifiers: Orphanet 145, MedGen C2676676, MONDO:0011450, OMIM 604370. Disease mechanism: loss of function.

Submissions (3):

Evidence-based Network for the Interpretation of Germline Mutant Alleles (ENIGMA)
Classification: Pathogenic for Breast-ovarian cancer, familial, susceptibility to, 1. Last evaluated: 2017-12-15. Review status: reviewed by expert panel. Criteria: ENIGMA BRCA1/2 Classification Criteria (2017-06-29). Collection method: curation. Allele origin: germline. Study: ENIGMA.
Comment: Variant allele predicted to encode a truncated non-functional protein.

GeneDx
Classification: Pathogenic. Last evaluated: 2016-06-28. Review status: criteria provided, single submitter. Criteria: GeneDx Variant Classification (06012015). Collection method: clinical testing. Allele origin: germline. Affected: yes. Not counted in ClinVar's aggregate classification.
Comment: This duplication of one nucleotide in BRCA1 is denoted c.2666dupC at the cDNA level and p.Gly890TrpfsX13 (G890WfsX13) at the protein level. Using alternate nomenclature, this variant would be defined as BRCA1 2785dupC or 2785insC. The normal sequence, with the base that is duplicated in braces, is CACT[C]TGGG. The duplication causes a frameshift which changes a Glycine to a Tryptophan at codon 890, and creates a premature stop codon at position 13 of the new reading frame. Although this variant has not, to our knowledge, been reported in the literature, it is predicted to cause loss of normal protein function through either protein truncation or nonsense-mediated mRNA decay. We consider this variant to be pathogenic.

Ambry Genetics
Classification: Pathogenic for Hereditary cancer-predisposing syndrome. Last evaluated: 2015-08-11. Review status: criteria provided, single submitter. Criteria: Ambry Variant Classification Scheme 2023. Collection method: clinical testing. Allele origin: germline. Not counted in ClinVar's aggregate classification.
Comment: The c.2666dupC pathogenic mutation (also known as 2785dupC), located in coding exon 9 of the BRCA1 gene, results from a duplication of C at nucleotide position 2666, causing a translational frameshift with a predicted alternate stop codon. Since frameshifts are typically deleterious in nature, this alteration is interpreted as a disease-causing mutation (ACMG Recommendations for Standards for Interpretation and Reporting of Sequence Variations. Revision 2007. Genet Med. 2008;10:294).

NM_007294.4(BRCA1):c.2666dup (p.Gly890fs)

Gene: BRCA1 (BRCA1 DNA repair associated; minus strand). Cytogenetic location: 17q21.31.
Variant type: Duplication.
Coding change: c.2666dup on transcript NM_007294.4 (MANE Select); coding-DNA position 2666, one base duplicated (C; older notation c.2666dupC).
Protein change: p.Gly890fs; shifts the reading frame from glycine 890.
Molecular consequence: frameshift variant. On other transcripts: intron variant (137).
Genome position (GRCh38, 1-based): chr17:43,092,865, G duplicated on the plus strand (C on the coding strand, the reverse complement: BRCA1 is on the minus strand). VCF-style (leftmost placement, unchanged base first): chr17-43092864-A-AG. GRCh37 (hg19) VCF-style: chr17-41244881-A-AG.
Other names: c.2666dupC (NM_007294.3); c.521-1833dup (NM_001408504.1, NM_001408503.1, NM_001408505.1); c.644-1833dup (NM_001408463.1, NM_001408462.1, NM_001408470.1 and 3 more transcripts); c.524-1833dup (NM_001408499.1, NM_001408498.1, NM_001408501.1 and 3 more transcripts); c.671-1833dup (NM_001408422.1, NM_001408418.1, NM_001408423.1 and 2 more transcripts); c.707-1833dup (NM_001408416.1, NM_001408413.1); c.578-1833dup (NM_001408484.1, NM_001408478.1, NM_001408514.1 and 9 more transcripts); c.662-1833dup (NM_001408450.1, NM_001408434.1, NM_001408447.1 and 6 more transcripts); and 42 more; short protein forms G890fs, G843fs, G802fs, G822fs, G823fs, G594fs, G762fs, G763fs.
Identifiers: ClinVar variation 233462 (VCV000233462.7), dbSNP rs876660425, ClinGen allele CA10580607.